The following is an entry in ClinVar:

ClinVar aggregate classification (germline): Conflicting classifications of pathogenicity. Review status: criteria provided, conflicting classifications (1 of 4 stars). 2 submissions from 2 submitters: Likely pathogenic (1); Uncertain significance (1). Last evaluated 2023-04-13.

Conditions:
ABCC8-related disorder.

Submissions (2):

Labcorp Genetics (formerly Invitae), Labcorp
Classification: Likely pathogenic. Last evaluated: 2023-04-13. Review status: criteria provided, single submitter. Criteria: Invitae Variant Classification Sherloc (09022015). Collection method: clinical testing. Allele origin: germline.
Comment: Advanced modeling of protein sequence and biophysical properties (such as structural, functional, and spatial information, amino acid conservation, physicochemical variation, residue mobility, and thermodynamic stability) performed at Invitae indicates that this missense variant is expected to disrupt ABCC8 protein function. This variant has not been reported in the literature in individuals affected with ABCC8-related conditions. This variant is not present in population databases (gnomAD no frequency). This sequence change replaces arginine, which is basic and polar, with leucine, which is neutral and non-polar, at codon 306 of the ABCC8 protein (p.Arg306Leu). This variant disrupts the p.Arg306 amino acid residue in ABCC8. Other variant(s) that disrupt this residue have been determined to be pathogenic (PMID: 32928245, 34304300). This suggests that this residue is clinically significant, and that variants that disrupt this residue are likely to be disease-causing. In summary, the currently available evidence indicates that the variant is pathogenic, but additional data are needed to prove that conclusively. Therefore, this variant has been classified as Likely Pathogenic.

PreventionGenetics, part of Exact Sciences
Classification: Uncertain significance for ABCC8-related condition. Last evaluated: 2023-03-09. Review status: criteria provided, single submitter. Criteria: ACMG Guidelines, 2015. Collection method: clinical testing. Allele origin: germline.
Comment: The ABCC8 c.917G>T variant is predicted to result in the amino acid substitution p.Arg306Leu. To our knowledge, this variant has not been reported in the literature or in a large population database, indicating this variant is rare. Different missense variants affecting this residue (p.Arg306Cys, p.Arg306His) have been reported in individuals with ABCC8-related disease; however, to date their clinical significance is uncertain (Casertano et al. 2020. PubMed ID: 32928245; Patch et al. 2007. PubMed ID: 17919176). At this time, the clinical significance of this variant is uncertain due to the absence of conclusive functional and genetic evidence.

Literature cited by the submitters: PubMed 32928245 (cited by Labcorp Genetics (formerly Invitae), Labcorp); PubMed 34304300 (cited by Labcorp Genetics (formerly Invitae), Labcorp).

NM_000352.6(ABCC8):c.917G>T (p.Arg306Leu)

Gene: ABCC8 (ATP binding cassette subfamily C member 8; minus strand). Cytogenetic location: 11p15.1.
Variant type: single nucleotide variant.
Coding change: c.917G>T on transcript NM_000352.6 (MANE Select); coding-DNA position 917, G replaced by T.
Protein change: p.Arg306Leu; replaces arginine 306 with leucine.
Molecular consequence: missense variant. On other transcripts: non-coding transcript variant (1).
Genome position (GRCh38, 1-based): chr11:17,460,582, C>A on the plus strand (G>T on the coding strand, the complement: ABCC8 is on the minus strand). VCF-style: chr11-17460582-C-A. GRCh37 (hg19) VCF-style: chr11-17482129-C-A.
Other names: c.917G>T, p.Arg306Leu (NM_001287174.3, NM_001351295.2); c.914G>T, p.Arg305Leu (NM_001351296.2, NM_001351297.2); short protein forms R305L, R306L.
Identifiers: ClinVar variation 2628538 (VCV002628538.4), dbSNP rs1409900082, ClinGen allele CA379776915.